The following is an entry in ClinVar:

ClinVar aggregate classification (germline): Uncertain significance (1 of 4 stars; one submission).

Conditions:
Macrocephaly, macrosomia, facial dysmorphism syndrome. Identifiers: Orphanet 137634, MedGen CN068456.

Submission:

Geisinger Autism and Developmental Medicine Institute, Geisinger Health System
Classification: Uncertain significance for Chromosome 17q11.2 deletion syndrome, 1.4Mb. Last evaluated: 2018-02-23. Review status: criteria provided, single submitter. Criteria: ACMG CNV Guidelines, 2011. Collection method: provider interpretation. Allele origin: maternal.

Literature cited by the submitters: PubMed 17632510.

Single allele

Gene: RNF135 (ring finger protein 135; plus strand). Cytogenetic location: 17q11.2.
Variant type: Duplication.
Identifiers: ClinVar variation 560092 (VCV000560092.3).